The following is an entry in ClinVar:

NM_201525.4(ADGRG1):c.401dup (p.Leu135fs)

Gene: ADGRG1 (adhesion G protein-coupled receptor G1; plus strand). Cytogenetic location: 16q21.
Variant type: Duplication.
Coding change: c.401dup on transcript NM_201525.4 (MANE Select); coding-DNA position 401, one base duplicated (C; older notation c.401dupC).
Protein change: p.Leu135fs; shifts the reading frame from leucine 135.
Molecular consequence: frameshift variant. On other transcripts: 5 prime UTR variant (5), intron variant (1).
Genome position (GRCh38, 1-based): chr16:57,651,536, C duplicated; the last of 6 consecutive C bases (chr16:57,651,531-57,651,536); duplicating any one gives the same sequence. VCF-style (leftmost placement, unchanged base first): chr16-57651530-G-GC. GRCh37 (hg19) VCF-style: chr16-57685442-G-GC.
Other names: c.401dup, p.Leu135fs (NM_001145770.3, NM_001145771.3, NM_001145772.3 and 16 more transcripts); c.416dup, p.Leu140fs (NM_001145773.3, NM_001370433.1); c.-125dup (NM_001290143.2, NM_001290144.2, NM_001370451.1 and 2 more transcripts); c.245dup, p.Leu83fs (NM_001370442.1); c.110+291dup (NM_001290142.2); short protein forms L140fs, L135fs, L83fs.
Identifiers: ClinVar variation 3669099 (VCV003669099.2).

ClinVar aggregate classification (germline): Pathogenic (1 of 4 stars; one submission).

Submission:

Labcorp Genetics (formerly Invitae), Labcorp
Classification: Pathogenic. Last evaluated: 2024-02-09. Review status: criteria provided, single submitter. Criteria: Invitae Variant Classification Sherloc (09022015). Collection method: clinical testing. Allele origin: germline.
Comment: This sequence change creates a premature translational stop signal (p.Leu135Alafs*151) in the ADGRG1 gene. It is expected to result in an absent or disrupted protein product. Loss-of-function variants in ADGRG1 are known to be pathogenic (PMID: 15044805, 20929962). The frequency data for this variant in the population databases is considered unreliable, as metrics indicate poor data quality at this position in the gnomAD database. This variant has not been reported in the literature in individuals affected with ADGRG1-related conditions. For these reasons, this variant has been classified as Pathogenic.

Literature cited by the submitters: PubMed 15044805; PubMed 20929962.